The following is an entry in ClinVar:

ClinVar aggregate classification (germline): Uncertain significance (1 of 4 stars; one submission).

gnomAD v4.1: 9 of 700,262 alleles (0.0013%); highest among the groups gnomAD compares: African/African-American, 0.0052%; no homozygotes.

Submission:

Labcorp Genetics (formerly Invitae), Labcorp
Classification: Uncertain significance. Last evaluated: 2022-04-25. Review status: criteria provided, single submitter. Criteria: Invitae Variant Classification Sherloc (09022015). Collection method: clinical testing. Allele origin: germline.
Comment: This variant is present in population databases (no rsID available, gnomAD 0.002%). This variant occurs in the RNU4ATAC gene, which encodes an RNA molecule that does not result in a protein product. This variant has not been reported in the literature in individuals affected with RNU4ATAC-related conditions. Experimental studies and prediction algorithms are not available or were not evaluated, and the functional significance of this variant is currently unknown. In summary, the available evidence is currently insufficient to determine the role of this variant in disease. Therefore, it has been classified as a Variant of Uncertain Significance.

NC_000002.12:g.121530962G>T

Genes: CLASP1 (cytoplasmic linker associated protein 1; minus strand), CLASP1-AS1 (CLASP1 antisense RNA 1; plus strand), RNU4ATAC (RNA, U4atac small nuclear; plus strand). Cytogenetic location: 2q14.2.
Variant type: single nucleotide variant.
Molecular consequence: intron variant (on NM_001395891.1).
Genome position: GRCh38 VCF-style: chr2-121530962-G-T. GRCh37 (hg19) VCF-style: chr2-122288538-G-T.
Other names: c.196-637C>A (NM_001378004.1, NM_001142273.2, NM_001207051.2 and 5 more transcripts).
Identifiers: ClinVar variation 1432556 (VCV001432556.4), dbSNP rs187757075, ClinGen allele CA54810938.
Genomic context (GRCh38, chr2:121,530,962, plus strand): 5'-CGCTACTGTCCAATGAGCGCATAGTGAGGGCAGTACTGCTAACGCCTGAACAACACACCC[G>T]CATCAACTAGAGCTTTTGCTTTATTTTGGTGCAATTTTTGGAAAAATGAAAACCTGTTTT-3'